The following is an entry in ClinVar:

NM_001363711.2(DUOX2):c.3486C>A (p.Cys1162Ter)

Gene: DUOX2 (dual oxidase 2; minus strand). Cytogenetic location: 15q21.1.
Variant type: single nucleotide variant.
Coding change: c.3486C>A on transcript NM_001363711.2 (MANE Select); coding-DNA position 3486, C replaced by A.
Protein change: p.Cys1162Ter; replaces cysteine 1162 with a stop codon.
Molecular consequence: nonsense.
Genome position (GRCh38, 1-based): chr15:45,099,412, G>T on the plus strand (C>A on the coding strand, the complement: DUOX2 is on the minus strand). VCF-style: chr15-45099412-G-T. GRCh37 (hg19) VCF-style: chr15-45391610-G-T.
Other names: c.3486C>A, p.Cys1162Ter (NM_014080.5); short protein forms C1162*.
Identifiers: ClinVar variation 1452992 (VCV001452992.6), dbSNP rs2141143799, ClinGen allele CA392258865.

ClinVar aggregate classification (germline): Pathogenic (1 of 4 stars; one submission).

Submission:

Labcorp Genetics (formerly Invitae), Labcorp
Classification: Pathogenic. Last evaluated: 2021-11-12. Review status: criteria provided, single submitter. Criteria: Invitae Variant Classification Sherloc (09022015). Collection method: clinical testing. Allele origin: germline.
Comment: This variant has not been reported in the literature in individuals affected with DUOX2-related conditions. This variant is not present in population databases (gnomAD no frequency). This sequence change creates a premature translational stop signal (p.Cys1162*) in the DUOX2 gene. It is expected to result in an absent or disrupted protein product. Loss-of-function variants in DUOX2 are known to be pathogenic (PMID: 12110737, 18765513, 21565790, 24423310, 24735383). For these reasons, this variant has been classified as Pathogenic.

Literature cited by the submitters: PubMed 12110737; PubMed 18765513; PubMed 21565790; PubMed 24423310; PubMed 24735383.